The following is an entry in ClinVar:

NM_005219.5(DIAPH1):c.104A>G (p.Lys35Arg)

Gene: DIAPH1 (diaphanous related formin 1; minus strand). Cytogenetic location: 5q31.3.
Variant type: single nucleotide variant.
Coding change: c.104A>G on transcript NM_005219.5 (MANE Select); coding-DNA position 104, A replaced by G.
Protein change: p.Lys35Arg; replaces lysine 35 with arginine.
Molecular consequence: missense variant.
Genome position (GRCh38, 1-based): chr5:141,618,811, T>C on the plus strand (A>G on the coding strand, the complement: DIAPH1 is on the minus strand). VCF-style: chr5-141618811-T-C. GRCh37 (hg19) VCF-style: chr5-140998378-T-C.
Other names: c.104A>G, p.Lys35Arg (NM_001079812.3, NM_001314007.2); c.104A>G (NM_005219.4); short protein forms K35R.
Identifiers: ClinVar variation 2930752 (VCV002930752.4), dbSNP rs1440238404, ClinGen allele CA361508336.

ClinVar aggregate classification (germline): Uncertain significance. Review status: criteria provided, multiple submitters, no conflicts (2 of 4 stars). 2 submissions from 2 submitters: Uncertain significance (2). Last evaluated 2025-08-21.

Conditions:
Autosomal dominant nonsyndromic hearing loss 1. Also called: KONIGSMARK SYNDROME; DEAFNESS, AUTOSOMAL DOMINANT 1, WITH OR WITHOUT THROMBOCYTOPENIA. Identifiers: Orphanet 90635, MedGen C1852282, MONDO:0007424, OMIM 124900.
Progressive microcephaly-seizures-cortical blindness-developmental delay syndrome. Also called: Seizures, cortical blindness, and microcephaly syndrome. Identifiers: Orphanet 477814, MedGen C5567650, MONDO:0014714, OMIM 616632.
Inborn genetic diseases. Identifiers: MedGen C0950123, MeSH D030342.

Allele frequency attached by ClinVar (database versions not stated): gnomAD 0.00001; gnomAD exomes 0.00001; TOPMed 0.00001.
gnomAD v4.1: 24 of 1,548,852 alleles (0.0015%); highest among the groups gnomAD compares: Non-Finnish European, 0.0019%; no homozygotes.

Submissions (2):

Ambry Genetics
Classification: Uncertain significance for Inborn genetic diseases. Last evaluated: 2025-08-21. Review status: criteria provided, single submitter. Criteria: Ambry Variant Classification Scheme 2023. Collection method: clinical testing. Allele origin: germline.

Labcorp Genetics (formerly Invitae), Labcorp
Classification: Uncertain significance for Progressive microcephaly-seizures-cortical blindness-developmental delay syndrome; Autosomal dominant nonsyndromic hearing loss 1. Last evaluated: 2025-08-20. Review status: criteria provided, single submitter. Criteria: Invitae Variant Classification Sherloc (09022015). Collection method: clinical testing. Allele origin: germline.
Comment: This sequence change replaces lysine, which is basic and polar, with arginine, which is basic and polar, at codon 35 of the DIAPH1 protein (p.Lys35Arg). This variant is present in population databases (no rsID available, gnomAD 0.001%). This variant has not been reported in the literature in individuals affected with DIAPH1-related conditions. ClinVar contains an entry for this variant (Variation ID: 2930752). Experimental studies and prediction algorithms are not available or were not evaluated, and the functional significance of this variant is currently unknown. In summary, the available evidence is currently insufficient to determine the role of this variant in disease. Therefore, it has been classified as a Variant of Uncertain Significance.